The following is an entry in ClinVar:

NM_005909.5(MAP1B):c.6413A>T (p.Gln2138Leu)

Gene: MAP1B (microtubule associated protein 1B; plus strand). Cytogenetic location: 5q13.2.
Variant type: single nucleotide variant.
Coding change: c.6413A>T on transcript NM_005909.5 (MANE Select); coding-DNA position 6413, A replaced by T.
Protein change: p.Gln2138Leu; replaces glutamine 2138 with leucine.
Molecular consequence: missense variant.
Genome position (GRCh38, 1-based): chr5:72,199,768, A>T. VCF-style: chr5-72199768-A-T. GRCh37 (hg19) VCF-style: chr5-71495595-A-T.
Other names: c.6035A>T, p.Gln2012Leu (NM_001324255.2); short protein forms Q2012L, Q2138L.
Identifiers: ClinVar variation 5020901 (VCV005020901.1).
Genomic context (GRCh38, chr5:72,199,768, plus strand): 5'-AATCTGAAAAGCCCCTCACTCAATCAGGGGGAGCCCCACCGCCTCCAGGAGGAAAGCAAC[A>T]GGGCCGACAGTGTGATGAAACCCCTCCCACCTCAGTCAGCGAGTCAGCCCCATCCCAGAC-3'
Protein context (NP_005900.2, residues 2128-2148): GAPPPPGGKQ[Gln2138Leu]GRQCDETPPT

ClinVar aggregate classification (germline): Uncertain significance (1 of 4 stars; one submission).

gnomAD v4.1: 6 of 1,614,184 alleles (0.00037%); highest among the groups gnomAD compares: Non-Finnish European, 0.00042%; no homozygotes.

Submission:

Dasa
Classification: Uncertain significance. Last evaluated: 2025-08-04. Review status: criteria provided, single submitter. Criteria: DASA Assertion Criteria. Collection method: clinical testing. Allele origin: germline.
Comment: NM_005909.5(MAP1B):c.6413A>T (p.Gln2138Leu) is a missense variant that results in the substitution of glutamine with leucine. This variant is rare in population databases. Computational prediction algorithms are consistent with a benign effect. The currently available literature and clinical evidence are not sufficient to establish a definitive association between this variant and the reported condition. Therefore, this variant is classified as a variant of uncertain significance.